The following is an entry in ClinVar:

ClinVar aggregate classification (germline): Uncertain significance (1 of 4 stars; one submission).

Allele frequency attached by ClinVar (database versions not stated): gnomAD exomes below 0.00001.
gnomAD v4.1: 1 of 1,600,852 alleles (0.000062%); highest among the groups gnomAD compares: Non-Finnish European, 0.000086%; no homozygotes.

Submission:

Labcorp Genetics (formerly Invitae), Labcorp
Classification: Uncertain significance. Last evaluated: 2023-04-12. Review status: criteria provided, single submitter. Criteria: Invitae Variant Classification Sherloc (09022015). Collection method: clinical testing. Allele origin: germline.
Comment: In summary, the available evidence is currently insufficient to determine the role of this variant in disease. Therefore, it has been classified as a Variant of Uncertain Significance. Experimental studies and prediction algorithms are not available or were not evaluated, and the functional significance of this variant is currently unknown. This variant has not been reported in the literature in individuals affected with PCLO-related conditions. This variant is not present in population databases (gnomAD no frequency). This sequence change replaces glycine, which is neutral and non-polar, with alanine, which is neutral and non-polar, at codon 4696 of the PCLO protein (p.Gly4696Ala).

NM_033026.6(PCLO):c.14087G>C (p.Gly4696Ala)

Gene: PCLO (piccolo presynaptic cytomatrix protein; minus strand). Cytogenetic location: 7q21.11.
Variant type: single nucleotide variant.
Coding change: c.14087G>C on transcript NM_033026.6 (MANE Select); coding-DNA position 14087, G replaced by C.
Protein change: p.Gly4696Ala; replaces glycine 4696 with alanine.
Molecular consequence: missense variant.
Genome position (GRCh38, 1-based): chr7:82,841,469, C>G on the plus strand (G>C on the coding strand, the complement: PCLO is on the minus strand). VCF-style: chr7-82841469-C-G. GRCh37 (hg19) VCF-style: chr7-82470785-C-G.
Other names: c.14087G>C, p.Gly4696Ala (NM_014510.3); short protein forms G4696A.
Identifiers: ClinVar variation 2779732 (VCV002779732.3), dbSNP rs2535313898, ClinGen allele CA367878555.